The following is an entry in ClinVar:

ClinVar aggregate classification (germline): Uncertain significance. Review status: criteria provided, multiple submitters, no conflicts (2 of 4 stars). 2 submissions from 2 submitters: Uncertain significance (2). Last evaluated 2023-04-20.

Conditions:
TAF15-related disorder. Also called: TAF15-related condition.

Submissions (2):

Mayo Clinic Laboratories, Mayo Clinic
Classification: Uncertain significance. Last evaluated: 2023-04-20. Review status: criteria provided, single submitter. Criteria: ACMG Guidelines, 2015. Collection method: clinical testing. Allele origin: germline. Observed: 1 variant allele.
Comment: BS2

PreventionGenetics, part of Exact Sciences
Classification: Uncertain significance for TAF15-related condition. Last evaluated: 2023-01-24. Review status: criteria provided, single submitter. Criteria: ACMG Guidelines, 2015. Collection method: clinical testing. Allele origin: germline.
Comment: The TAF15 c.1605_1685del81 variant is predicted to result in an in-frame deletion (p.Ser539_Gly565del). To our knowledge, this variant has not been reported in the literature. This variant is reported in 0.0047% of alleles in individuals of European (Non-Finnish) descent in gnomAD. At this time, the clinical significance of this variant is uncertain due to the absence of conclusive functional and genetic evidence.

NM_139215.3(TAF15):c.1605_1685del (p.Ser539_Gly565del)

Gene: TAF15 (TATA-box binding protein associated factor 15; plus strand). Cytogenetic location: 17q12.
Variant type: Deletion.
Coding change: c.1605_1685del on transcript NM_139215.3 (MANE Select); coding-DNA positions 1605 to 1685, 81 bases deleted.
Protein change: p.Ser539_Gly565del.
Molecular consequence: inframe deletion.
Genome position (GRCh38, 1-based): chr17:35,844,904-35,844,984, 81 bases deleted. GRCh37 (hg19): chr17:34,171,908-34,171,988.
Other names: p.Ser539_Gly565del; c.1596_1676del, p.Ser536_Gly562del (NM_003487.4).
Identifiers: ClinVar variation 2635993 (VCV002635993.2), dbSNP rs1568284800, ClinGen allele CA728397767.